The following is an entry in ClinVar:

ClinVar aggregate classification (germline): Uncertain significance. Review status: criteria provided, multiple submitters, no conflicts (2 of 4 stars). 3 submissions from 3 submitters: Uncertain significance (3). Last evaluated 2024-05-01.

Conditions:
Deficiency of ferroxidase (ACEP). Also called: Aceruloplasminemia; Ceruloplasmin deficiency; Familial apoceruloplasmin deficiency; Hereditary ceruloplasmin deficiency; NEURODEGENERATION WITH BRAIN IRON ACCUMULATION 10; Deficiency of ceruloplasmin. Identifiers: Orphanet 48818, MedGen C0878682, MONDO:0011426, OMIM 604290, HP:0025498.
Inborn genetic diseases. Identifiers: MedGen C0950123, MeSH D030342.

Allele frequency attached by ClinVar (database versions not stated): gnomAD exomes below 0.00001.
gnomAD v4.1: 11 of 1,610,376 alleles (0.00068%); highest among the groups gnomAD compares: Middle Eastern, 0.039%; no homozygotes.

Submissions (3):

Ambry Genetics
Classification: Uncertain significance for Inborn genetic diseases. Last evaluated: 2024-05-01. Review status: criteria provided, single submitter. Criteria: Ambry Variant Classification Scheme 2023. Collection method: clinical testing. Allele origin: germline.

Labcorp Genetics (formerly Invitae), Labcorp
Classification: Uncertain significance for Deficiency of ferroxidase. Last evaluated: 2024-01-22. Review status: criteria provided, single submitter. Criteria: Invitae Variant Classification Sherloc (09022015). Collection method: clinical testing. Allele origin: germline.
Comment: This sequence change replaces arginine, which is basic and polar, with glutamine, which is neutral and polar, at codon 785 of the CP protein (p.Arg785Gln). This variant is present in population databases (no rsID available, gnomAD 0.0009%). This variant has not been reported in the literature in individuals affected with CP-related conditions. ClinVar contains an entry for this variant (Variation ID: 1524678). Advanced modeling of protein sequence and biophysical properties (such as structural, functional, and spatial information, amino acid conservation, physicochemical variation, residue mobility, and thermodynamic stability) performed at Invitae indicates that this missense variant is not expected to disrupt CP protein function with a negative predictive value of 80%. In summary, the available evidence is currently insufficient to determine the role of this variant in disease. Therefore, it has been classified as a Variant of Uncertain Significance.

GeneDx
Classification: Uncertain significance. Last evaluated: 2022-08-17. Review status: criteria provided, single submitter. Criteria: GeneDx Variant Classification Process June 2021. Collection method: clinical testing. Allele origin: germline. Affected: yes.
Comment: Not observed at significant frequency in large population cohorts (gnomAD); In silico analysis supports that this missense variant has a deleterious effect on protein structure/function; Has not been previously published as pathogenic or benign to our knowledge

NM_000096.4(CP):c.2354G>A (p.Arg785Gln)

Gene: CP (ceruloplasmin; minus strand). Cytogenetic location: 3q24.
Variant type: single nucleotide variant.
Coding change: c.2354G>A on transcript NM_000096.4 (MANE Select); coding-DNA position 2354, G replaced by A.
Protein change: p.Arg785Gln; replaces arginine 785 with glutamine.
Molecular consequence: missense variant. On other transcripts: non-coding transcript variant (1).
Genome position (GRCh38, 1-based): chr3:149,183,537, C>T on the plus strand (G>A on the coding strand, the complement: CP is on the minus strand). VCF-style: chr3-149183537-C-T. GRCh37 (hg19) VCF-style: chr3-148901324-C-T.
Other names: c.2354G>A (NM_000096.3); short protein forms R785Q.
Identifiers: ClinVar variation 1524678 (VCV001524678.6), dbSNP rs1257682995, ClinGen allele CA354931453.